The following is an entry in ClinVar:

ClinVar aggregate classification (germline): Uncertain significance (1 of 4 stars; one submission).

Submission:

Ambry Genetics
Classification: Uncertain significance. Last evaluated: 2024-09-16. Review status: criteria provided, single submitter. Criteria: Ambry Variant Classification Scheme 2023. Collection method: clinical testing. Allele origin: germline.
Comment: The p.L2543V variant (also known as c.7627C>G), located in coding exon 29 of the POLQ gene, results from a C to G substitution at nucleotide position 7627. The leucine at codon 2543 is replaced by valine, an amino acid with highly similar properties. This amino acid position is conserved. In addition, the in silico prediction for this alteration is inconclusive. Based on the available evidence, the clinical significance of this variant remains unclear.

NM_199420.4(POLQ):c.7627C>G (p.Leu2543Val)

Gene: POLQ (DNA polymerase theta; minus strand). Cytogenetic location: 3q13.33.
Variant type: single nucleotide variant.
Coding change: c.7627C>G on transcript NM_199420.4 (MANE Select); coding-DNA position 7627, C replaced by G.
Protein change: p.Leu2543Val; replaces leucine 2543 with valine.
Molecular consequence: missense variant.
Genome position (GRCh38, 1-based): chr3:121,432,950, G>C on the plus strand (C>G on the coding strand, the complement: POLQ is on the minus strand). VCF-style: chr3-121432950-G-C. GRCh37 (hg19) VCF-style: chr3-121151797-G-C.
Other names: short protein forms L2543V.
Identifiers: ClinVar variation 3422551 (VCV003422551.1).